The following is an entry in ClinVar:

ClinVar aggregate classification (germline): Uncertain significance (1 of 4 stars; one submission).

Conditions:
Inborn genetic diseases. Identifiers: MedGen C0950123, MeSH D030342.

Submission:

Ambry Genetics
Classification: Uncertain significance for Inborn genetic diseases. Last evaluated: 2025-10-03. Review status: criteria provided, single submitter. Criteria: Ambry Variant Classification Scheme 2023. Collection method: clinical testing. Allele origin: germline.
Comment: The p.I233T variant (also known as c.698T>C), located in coding exon 7 of the USB1 gene, results from a T to C substitution at nucleotide position 698. The isoleucine at codon 233 is replaced by threonine, an amino acid with similar properties. This amino acid position is conserved. In addition, this alteration is predicted to be tolerated by in silico analysis. Based on the available evidence, the clinical significance of this variant remains unclear.

NM_024598.4(USB1):c.698T>C (p.Ile233Thr)

Gene: USB1 (U6 snRNA biogenesis phosphodiesterase 1; plus strand). Cytogenetic location: 16q21.
Variant type: single nucleotide variant.
Coding change: c.698T>C on transcript NM_024598.4 (MANE Select); coding-DNA position 698, T replaced by C.
Protein change: p.Ile233Thr; replaces isoleucine 233 with threonine.
Molecular consequence: missense variant.
Genome position (GRCh38, 1-based): chr16:58,020,145, T>C. VCF-style: chr16-58020145-T-C. GRCh37 (hg19) VCF-style: chr16-58054049-T-C.
Other names: c.644T>C, p.Ile215Thr (NM_001195302.2); c.545T>C, p.Ile182Thr (NM_001330568.2); short protein forms I233T, I182T, I215T.
Identifiers: ClinVar variation 4634188 (VCV004634188.1).